The following is an entry in ClinVar:

NM_001967.4(EIF4A2):c.423T>A (p.Val141=)

Gene: EIF4A2 (eukaryotic translation initiation factor 4A2; plus strand). Cytogenetic location: 3q27.3.
Variant type: single nucleotide variant.
Coding change: c.423T>A on transcript NM_001967.4 (MANE Select); coding-DNA position 423, T replaced by A.
Protein change: p.Val141=; no amino-acid change (valine 141 retained).
Molecular consequence: synonymous variant.
Genome position (GRCh38, 1-based): chr3:186,785,957, T>A. VCF-style: chr3-186785957-T-A. GRCh37 (hg19) VCF-style: chr3-186503746-T-A.
Identifiers: ClinVar variation 3358026 (VCV003358026.1).

ClinVar aggregate classification (germline): Likely benign (0 of 4 stars; one submission).

Conditions:
EIF4A2-related disorder. Also called: EIF4A2-related condition.

gnomAD v4.1: 6 of 1,613,160 alleles (0.00037%); highest among the groups gnomAD compares: African/African-American, 0.0067%; no homozygotes.

Submission:

PreventionGenetics, part of Exact Sciences
Classification: Likely benign for EIF4A2-related condition. Last evaluated: 2024-09-18. Review status: no assertion criteria provided. Collection method: clinical testing. Allele origin: germline.
Comment: This variant is classified as likely benign based on ACMG/AMP sequence variant interpretation guidelines (Richards et al. 2015 PMID: 25741868, with internal and published modifications).